The following is an entry in ClinVar:

ClinVar aggregate classification (germline): Uncertain significance (1 of 4 stars; one submission).

Allele frequency attached by ClinVar (database versions not stated): gnomAD exomes below 0.00001; ExAC 0.00001.

Submission:

Labcorp Genetics (formerly Invitae), Labcorp
Classification: Uncertain significance. Last evaluated: 2022-04-22. Review status: criteria provided, single submitter. Criteria: Invitae Variant Classification Sherloc (09022015). Collection method: clinical testing. Allele origin: germline.
Comment: This sequence change replaces isoleucine, which is neutral and non-polar, with valine, which is neutral and non-polar, at codon 1861 of the LRP2 protein (p.Ile1861Val). In summary, the available evidence is currently insufficient to determine the role of this variant in disease. Therefore, it has been classified as a Variant of Uncertain Significance. Advanced modeling of protein sequence and biophysical properties (such as structural, functional, and spatial information, amino acid conservation, physicochemical variation, residue mobility, and thermodynamic stability) performed at Invitae indicates that this missense variant is not expected to disrupt LRP2 protein function. This variant has not been reported in the literature in individuals affected with LRP2-related conditions. This variant is present in population databases (rs777605451, gnomAD 0.0009%).

NM_004525.3(LRP2):c.5581A>G (p.Ile1861Val)

Gene: LRP2 (LDL receptor related protein 2; minus strand). Cytogenetic location: 2q31.1.
Variant type: single nucleotide variant.
Coding change: c.5581A>G on transcript NM_004525.3 (MANE Select); coding-DNA position 5581, A replaced by G.
Protein change: p.Ile1861Val; replaces isoleucine 1861 with valine.
Molecular consequence: missense variant.
Genome position (GRCh38, 1-based): chr2:169,220,521, T>C on the plus strand (A>G on the coding strand, the complement: LRP2 is on the minus strand). VCF-style: chr2-169220521-T-C. GRCh37 (hg19) VCF-style: chr2-170077031-T-C.
Other names: short protein forms I1861V.
Identifiers: ClinVar variation 2146968 (VCV002146968.4), dbSNP rs777605451, ClinGen allele CA1954494.